The following is an entry in ClinVar:

ClinVar aggregate classification (germline): Pathogenic (1 of 4 stars; one submission).

Submission:

Labcorp Genetics (formerly Invitae), Labcorp
Classification: Pathogenic. Last evaluated: 2025-04-10. Review status: criteria provided, single submitter. Criteria: Invitae Variant Classification Sherloc (09022015). Collection method: clinical testing. Allele origin: germline.
Comment: This sequence change creates a premature translational stop signal (p.Cys24*) in the TYR gene. It is expected to result in an absent or disrupted protein product. Loss-of-function variants in TYR are known to be pathogenic (PMID: 23504663). This variant is not present in population databases (gnomAD no frequency). This variant has not been reported in the literature in individuals affected with TYR-related conditions. For these reasons, this variant has been classified as Pathogenic.

Literature cited by the submitters: PubMed 23504663.

NM_000372.5(TYR):c.72T>A (p.Cys24Ter)

Gene: TYR (tyrosinase; plus strand). Cytogenetic location: 11q14.3.
Variant type: single nucleotide variant.
Coding change: c.72T>A on transcript NM_000372.5 (MANE Select); coding-DNA position 72, T replaced by A.
Protein change: p.Cys24Ter; replaces cysteine 24 with a stop codon.
Molecular consequence: nonsense.
Genome position (GRCh38, 1-based): chr11:89,178,025, T>A. VCF-style: chr11-89178025-T-A. GRCh37 (hg19) VCF-style: chr11-88911193-T-A.
Other names: short protein forms C24*.
Identifiers: ClinVar variation 4716985 (VCV004716985.1).
Genomic context (GRCh38, chr11:89,178,025, plus strand): 5'-TGTTTTGTACTGCCTGCTGTGGAGTTTCCAGACCTCCGCTGGCCATTTCCCTAGAGCCTG[T>A]GTCTCCTCTAAGAACCTGATGGAGAAGGAATGCTGTCCACCGTGGAGCGGGGACAGGAGT-3'